The following is an entry in ClinVar:

NM_000545.8(HNF1A):c.73G>A (p.Ala25Thr)

Gene: HNF1A (HNF1 homeobox A; plus strand). Cytogenetic location: 12q24.31.
Variant type: single nucleotide variant.
Coding change: c.73G>A on transcript NM_000545.8 (MANE Select); coding-DNA position 73, G replaced by A.
Protein change: p.Ala25Thr; replaces alanine 25 with threonine.
Molecular consequence: missense variant.
Genome position (GRCh38, 1-based): chr12:120,978,841, G>A. VCF-style: chr12-120978841-G-A. GRCh37 (hg19) VCF-style: chr12-121416644-G-A.
Other names: NM_000545.8(HNF1A):c.73G>A; p.Ala25Thr; c.73G>A, p.Ala25Thr (NM_001306179.2); short protein forms A25T.
Identifiers: ClinVar variation 134506 (VCV000134506.5), dbSNP rs587778394, ClinGen allele CA160004.

ClinVar aggregate classification (germline): Uncertain significance. Review status: reviewed by expert panel (3 of 4 stars). 3 submissions from 3 submitters: Uncertain significance (1). 2 of the submissions do not count toward it. Last evaluated 2022-04-01.

Conditions:
Monogenic diabetes. Identifiers: Orphanet 183625, MedGen C3888631, MONDO:0015967.
Maturity-onset diabetes of the young (MODY). Also called: Maturity onset diabetes mellitus in young. Identifiers: Orphanet 552, MedGen C0342276, MONDO:0018911, HP:0004904.

Allele frequency attached by ClinVar (database versions not stated): gnomAD exomes below 0.00001.
gnomAD v4.1: 1 of 1,613,360 alleles (0.000062%); highest among the groups gnomAD compares: Non-Finnish European, 0.000085%; no homozygotes.

Submissions (3):

ClinGen Monogenic Diabetes Variant Curation Expert Panel
Classification: Uncertain significance for Monogenic diabetes. Last evaluated: 2022-04-01. Review status: reviewed by expert panel. Criteria: ClinGen Diabetes ACMG Specifications v1 1. Collection method: curation. Allele origin: germline. Inheritance: Autosomal dominant inheritance.
Comment: The c.73G>A variant in the HNF1 homeobox A gene, HNF1A, causes an amino acid change of Alanine to Threonine at codon 25 (p.(Ala25Thr)) of transcript NM_000545.8. This variant is located within the dimerization domain (codons 1-32) of HNF1A, which is defined as critical for the protein’s function by the ClinGen MDEP (PM1_Supporting). This variant is absent from gnomAD v2.1.1 (PM2_Supporting). In summary, c.73G>A meets the criteria to be classified as uncertain significance for monogenic diabetes. ACMG/AMP criteria applied, as specified by the ClinGen MDEP (specification version 1.1, approved 9/30/2021): PM1_supporting, PM2_supporting.

Clinical Genomics, Uppaluri K&H Personalized Medicine Clinic
Classification: Uncertain risk allele for Maturity-onset diabetes of the young. Review status: criteria provided, single submitter. Criteria: K & H Uppaluri Personalized Medicine Clinic Variant Classification & Assertion Criteria_Updated V.1. Collection method: research. Allele origin: unknown. Inheritance: Autosomal dominant inheritance. Not counted in ClinVar's aggregate classification.
Comment: Mutations in HNF1A gene can predispose to MODY3. It is associated with both micro and macrovascular complications of diabetes, especially cardiovascular complications. Associated with glucosuria. May respond well to sulfonylureas. However, more evidence is required to confer the association of this particular variant rs587778394 with MODY3.

ITMI
No classification provided. Condition: AllHighlyPenetrant. Last evaluated: 2013-09-19. Review status: no classification provided. Collection method: reference population. Allele origin: germline. Not counted in ClinVar's aggregate classification.
Comment: Please see associated publication for description of ethnicities

Literature cited by the submitters: PubMed 31517624 (cited by Clinical Genomics, Uppaluri K&H Personalized Medicine Clinic); PubMed 32395877 (cited by Clinical Genomics, Uppaluri K&H Personalized Medicine Clinic); PubMed 35328643 (cited by Clinical Genomics, Uppaluri K&H Personalized Medicine Clinic); PubMed 35673428 (cited by Clinical Genomics, Uppaluri K&H Personalized Medicine Clinic); PubMed 24728327 (cited by ITMI).